The following is an entry in ClinVar:

ClinVar aggregate classification (germline): Uncertain significance (1 of 4 stars; one submission).

Allele frequency attached by ClinVar (database versions not stated): gnomAD 0.00001; gnomAD exomes 0.00001; TOPMed 0.00001.

Submission:

Labcorp Genetics (formerly Invitae), Labcorp
Classification: Uncertain significance. Last evaluated: 2022-05-29. Review status: criteria provided, single submitter. Criteria: Invitae Variant Classification Sherloc (09022015). Collection method: clinical testing. Allele origin: germline.
Comment: In summary, the available evidence is currently insufficient to determine the role of this variant in disease. Therefore, it has been classified as a Variant of Uncertain Significance. Algorithms developed to predict the effect of missense changes on protein structure and function are either unavailable or do not agree on the potential impact of this missense change (SIFT: "Deleterious"; PolyPhen-2: "Probably Damaging"; Align-GVGD: "Class C15"). This variant has not been reported in the literature in individuals affected with CXCR2-related conditions. This variant is present in population databases (rs756075992, gnomAD 0.007%). This sequence change replaces serine, which is neutral and polar, with arginine, which is basic and polar, at codon 132 of the CXCR2 protein (p.Ser132Arg).

NM_001557.4(CXCR2):c.394A>C (p.Ser132Arg)

Gene: CXCR2 (C-X-C motif chemokine receptor 2; plus strand). Cytogenetic location: 2q35.
Variant type: single nucleotide variant.
Coding change: c.394A>C on transcript NM_001557.4 (MANE Select); coding-DNA position 394, A replaced by C.
Protein change: p.Ser132Arg; replaces serine 132 with arginine.
Molecular consequence: missense variant.
Genome position (GRCh38, 1-based): chr2:218,135,195, A>C. VCF-style: chr2-218135195-A-C. GRCh37 (hg19) VCF-style: chr2-218999918-A-C.
Other names: c.394A>C, p.Ser132Arg (NM_001168298.2); short protein forms S132R.
Identifiers: ClinVar variation 1961192 (VCV001961192.5), dbSNP rs756075992, ClinGen allele CA65710847.
Genomic context (GRCh38, chr2:218,135,195, plus strand): 5'-TGGATTTTTGGCACATTCCTGTGCAAGGTGGTCTCACTCCTGAAGGAAGTCAACTTCTAT[A>C]GTGGCATCCTGCTACTGGCCTGCATCAGTGTGGACCGTTACCTGGCCATTGTCCATGCCA-3'
Protein context (NP_001548.1, residues 122-142): VSLLKEVNFY[Ser132Arg]GILLLACISV